The following is an entry in ClinVar:

ClinVar aggregate classification (germline): Uncertain significance (1 of 4 stars; one submission).

Conditions:
Wilson disease (WND). Also called: Wilson's disease. Identifiers: Orphanet 905, MedGen C0019202, MONDO:0010200, OMIM 277900. Disease mechanism: loss of function.

Submission:

All of Us Research Program, National Institutes of Health
Classification: Uncertain significance for Wilson disease. Last evaluated: 2024-04-25. Review status: criteria provided, single submitter. Criteria: ACMG Guidelines, 2015. Collection method: clinical testing. Allele origin: germline. Inheritance: Autosomal recessive inheritance. Observed: 1 variant allele, 1 heterozygote.
Comment: This missense variant replaces aspartic acid with glycine at codon 1167 of the ATP7B protein. Computational prediction suggests that this variant may have deleterious impact on protein structure and function (internally defined REVEL score threshold >= 0.7, PMID: 27666373). To our knowledge, functional studies have not been reported for this variant. This variant has not been reported in individuals affected with ATP7B-related disorders in the literature. This variant has not been identified in the general population by the Genome Aggregation Database (gnomAD). The available evidence is insufficient to determine the role of this variant in disease conclusively. Therefore, this variant is classified as a Variant of Uncertain Significance.

This study involves interpretation of variants in research participants for the purpose of population health screening. Participant phenotype was not available at the time of variant classification. Additional details can be found in publication PMID: 35346344, PMCID: PMC8962531

NM_000053.4(ATP7B):c.3500A>G (p.Asp1167Gly)

Gene: ATP7B (ATPase copper transporting beta; minus strand). Cytogenetic location: 13q14.3.
Variant type: single nucleotide variant.
Coding change: c.3500A>G on transcript NM_000053.4 (MANE Select); coding-DNA position 3500, A replaced by G.
Protein change: p.Asp1167Gly; replaces aspartic acid 1167 with glycine.
Molecular consequence: missense variant. On other transcripts: intron variant (2).
Genome position (GRCh38, 1-based): chr13:51,941,137, T>C on the plus strand (A>G on the coding strand, the complement: ATP7B is on the minus strand). VCF-style: chr13-51941137-T-C. GRCh37 (hg19) VCF-style: chr13-52515273-T-C.
Other names: c.3404A>G, p.Asp1135Gly (NM_001406517.1, NM_001406518.1); c.3365A>G, p.Asp1122Gly (NM_001406519.1); c.3356A>G, p.Asp1119Gly (NM_001406520.1, NM_001406521.1, NM_001406522.1); c.3317A>G, p.Asp1106Gly (NM_001406523.1); c.3323A>G, p.Asp1108Gly (NM_001406524.1); c.3305A>G, p.Asp1102Gly (NM_001406525.1); c.3500A>G, p.Asp1167Gly (NM_001406526.1, NM_001406511.1, NM_001406512.1); c.3266A>G, p.Asp1089Gly (NM_001406527.1, NM_001406528.1, NM_001330578.2); and 20 more; short protein forms D1005G, D1018G, D1024G, D1054G, D1056G, D1057G, D1071G, D1083G.
Identifiers: ClinVar variation 3387462 (VCV003387462.1).